The following is an entry in ClinVar:

NM_004304.5(ALK):c.1564A>G (p.Ser522Gly)

Gene: ALK (ALK receptor tyrosine kinase; minus strand). Cytogenetic location: 2p23.2.
Variant type: single nucleotide variant.
Coding change: c.1564A>G on transcript NM_004304.5 (MANE Select); coding-DNA position 1564, A replaced by G.
Protein change: p.Ser522Gly; replaces serine 522 with glycine.
Molecular consequence: missense variant.
Genome position (GRCh38, 1-based): chr2:29,318,387, T>C on the plus strand (A>G on the coding strand, the complement: ALK is on the minus strand). VCF-style: chr2-29318387-T-C. GRCh37 (hg19) VCF-style: chr2-29541253-T-C.
Other names: short protein forms S522G.
Identifiers: ClinVar variation 965250 (VCV000965250.9), dbSNP rs1573223126, ClinGen allele CA346471370.

ClinVar aggregate classification (germline): Uncertain significance (1 of 4 stars; one submission).

Conditions:
Neuroblastoma, susceptibility to, 3. Also called: ALK-Related Neuroblastic Tumor Susceptibility. Identifiers: Orphanet 635, MedGen C2751681, MONDO:0013083, OMIM 613014.

Submission:

Labcorp Genetics (formerly Invitae), Labcorp
Classification: Uncertain significance for Neuroblastoma, susceptibility to, 3. Last evaluated: 2025-03-24. Review status: criteria provided, single submitter. Criteria: Invitae Variant Classification Sherloc (09022015). Collection method: clinical testing. Allele origin: germline.
Comment: This sequence change replaces serine, which is neutral and polar, with glycine, which is neutral and non-polar, at codon 522 of the ALK protein (p.Ser522Gly). This variant is not present in population databases (gnomAD no frequency). This variant has not been reported in the literature in individuals affected with ALK-related conditions. ClinVar contains an entry for this variant (Variation ID: 965250). An algorithm developed to predict the effect of missense changes on protein structure and function (PolyPhen-2) suggests that this variant is likely to be tolerated. In summary, the available evidence is currently insufficient to determine the role of this variant in disease. Therefore, it has been classified as a Variant of Uncertain Significance.